The following is an entry in ClinVar:

NM_001111.5(ADAR):c.386A>G (p.His129Arg)

Gene: ADAR (adenosine deaminase RNA specific; minus strand). Cytogenetic location: 1q21.3.
Variant type: single nucleotide variant.
Coding change: c.386A>G on transcript NM_001111.5 (MANE Select); coding-DNA position 386, A replaced by G.
Protein change: p.His129Arg; replaces histidine 129 with arginine.
Molecular consequence: missense variant. On other transcripts: 5 prime UTR variant (3), intron variant (3).
Genome position (GRCh38, 1-based): chr1:154,602,256, T>C on the plus strand (A>G on the coding strand, the complement: ADAR is on the minus strand). VCF-style: chr1-154602256-T-C. GRCh37 (hg19) VCF-style: chr1-154574732-T-C.
Other names: c.-500A>G (NM_001025107.3, NM_001193495.2, NM_001365048.1); c.413A>G, p.His138Arg (NM_001365045.1); c.386A>G, p.His129Arg (NM_015840.4, NM_015841.4); c.-492-8A>G (NM_001365046.1, NM_001365049.1, NM_001365047.1); short protein forms H129R, H138R.
Identifiers: ClinVar variation 2639375 (VCV002639375.24), dbSNP rs1157977031, ClinGen allele CA342603636.

ClinVar aggregate classification (germline): Uncertain significance (1 of 4 stars; one submission).

Allele frequency attached by ClinVar (database versions not stated): gnomAD exomes below 0.00001; TOPMed 0.00001.
gnomAD v4.1: 2 of 1,614,186 alleles (0.00012%); highest among the groups gnomAD compares: Non-Finnish European, 0.00017%; no homozygotes.

Submission:

CeGaT Center for Human Genetics Tuebingen
Classification: Uncertain significance. Last evaluated: 2022-09-01. Review status: criteria provided, single submitter. Criteria: CeGaT Center For Human Genetics Tuebingen Variant Classification Criteria Version 2. Collection method: clinical testing. Allele origin: germline. Affected: yes. Observed: 1 variant allele.
Comment: ADAR: PM2, BP4